The following is an entry in ClinVar:

ClinVar aggregate classification (germline): Conflicting classifications of pathogenicity. Review status: criteria provided, conflicting classifications (1 of 4 stars). 3 submissions from 3 submitters: Uncertain significance (1); Likely benign (2). Last evaluated 2023-03-02.

Conditions:
Left-right axis malformations. Identifiers: MedGen C1866091.

Allele frequency attached by ClinVar (database versions not stated): TOPMed 0.00012; ESP Exome Variant Server 0.00015; 1000 Genomes Project 30x 0.00016; gnomAD 0.00016; 1000 Genomes Project 0.00020; gnomAD exomes 0.00020; ExAC 0.00021.

Submissions (3):

Ambry Genetics
Classification: Uncertain significance. Last evaluated: 2023-03-02. Review status: criteria provided, single submitter. Criteria: Ambry Variant Classification Scheme 2023. Collection method: clinical testing. Allele origin: germline.

Labcorp Genetics (formerly Invitae), Labcorp
Classification: Likely benign for Left-right axis malformations. Last evaluated: 2022-07-05. Review status: criteria provided, single submitter. Criteria: Invitae Variant Classification Sherloc (09022015). Collection method: clinical testing. Allele origin: germline.

Illumina Laboratory Services, Illumina
Classification: Likely benign for Left-right axis malformations. Last evaluated: 2018-01-12. Review status: criteria provided, single submitter. Criteria: ICSL Variant Classification Criteria 13 December 2019. Collection method: clinical testing. Allele origin: germline.
Comment: This variant was observed in the ICSL laboratory as part of a predisposition screen in an ostensibly healthy population. It had not been previously curated by ICSL or reported in the Human Gene Mutation Database (HGMD: prior to June 1st, 2018), and was therefore a candidate for classification through an automated scoring system. Utilizing variant allele frequency, disease prevalence and penetrance estimates, and inheritance mode, an automated score was calculated to assess if this variant is too frequent to cause the disease. Based on the score and internal cut-off values, a variant classified as likely benign is not then subjected to further curation. The score for this variant resulted in a classification of likely benign for this disease.

NM_003240.5(LEFTY2):c.1073C>T (p.Ala358Val)

Gene: LEFTY2 (left-right determination factor 2; minus strand). Cytogenetic location: 1q42.12.
Variant type: single nucleotide variant.
Coding change: c.1073C>T on transcript NM_003240.5 (MANE Select); coding-DNA position 1073, C replaced by T.
Protein change: p.Ala358Val; replaces alanine 358 with valine.
Molecular consequence: missense variant.
Genome position (GRCh38, 1-based): chr1:225,937,469, G>A on the plus strand (C>T on the coding strand, the complement: LEFTY2 is on the minus strand). VCF-style: chr1-225937469-G-A. GRCh37 (hg19) VCF-style: chr1-226125169-G-A.
Other names: c.971C>T, p.Ala324Val (NM_001172425.3); short protein forms A358V, A324V.
Identifiers: ClinVar variation 295967 (VCV000295967.15), dbSNP rs151034245, ClinGen allele CA1420408.
Genomic context (GRCh38, chr1:225,937,469, plus strand): 5'-CAGTTAGAGGGCTCAATGGATACACCAGGCGCCTATGGCTGGAGCCTCCTTGGCACGAGC[G>A]CCCCATCCGAGGCACAGCTGCACTTCTGCACCCTCATGTTGGGCAGGCTGACCACCTGGG-3'
Protein context (NP_003231.2, residues 348-366): VQKCSCASDG[Ala358Val]LVPRRLQP